The following is an entry in ClinVar:

NM_000501.4(ELN):c.1507G>T (p.Val503Leu)

Genes: ELN (elastin; plus strand), ELN-AS1 (ELN antisense RNA 1; minus strand). Cytogenetic location: 7q11.23.
Variant type: single nucleotide variant.
Coding change: c.1507G>T on transcript NM_000501.4 (MANE Select); coding-DNA position 1507, G replaced by T.
Protein change: p.Val503Leu; replaces valine 503 with leucine.
Molecular consequence: missense variant.
Genome position (GRCh38, 1-based): chr7:74,059,978, G>T. VCF-style: chr7-74059978-G-T. GRCh37 (hg19) VCF-style: chr7-73474308-G-T.
Other names: c.1420G>T, p.Val474Leu (NM_001081752.3); c.1465G>T, p.Val489Leu (NM_001081753.3); c.1522G>T, p.Val508Leu (NM_001081754.3); c.1450G>T, p.Val484Leu (NM_001081755.3); c.1507G>T, p.Val503Leu (NM_001278912.2); c.1264G>T, p.Val422Leu (NM_001278913.2); c.1435G>T, p.Val479Leu (NM_001278914.2); c.1525G>T, p.Val509Leu (NM_001278915.2); and 4 more; short protein forms V414L, V489L, V493L, V532L, V470L, V474L, V422L, V479L.
Identifiers: ClinVar variation 1499920 (VCV001499920.8), dbSNP rs41523046, ClinGen allele CA367885176.
Genomic context (GRCh38, chr7:74,059,978, plus strand): 5'-GTTGGCGTGGCTCCTGGTGTCGGTGTGGCTCCTGGAGTTGGCTTGGCTCCTGGAGTTGGC[G>T]TGGCTCCTGGAGTTGGTGTGGCTCCTGGCGTTGGCGTGGCTCCCGGCATTGGCCCTGGTG-3'
Protein context (NP_000492.2, residues 493-513): PGVGLAPGVG[Val503Leu]APGVGVAPGV

ClinVar aggregate classification (germline): Uncertain significance (1 of 4 stars; one submission).

Conditions:
Supravalvar aortic stenosis (SVAS). Also called: Supravalvar aortic stenosis, Eisenberg type. Identifiers: Orphanet 3193, MedGen C0003499, MONDO:0008504, OMIM 185500, HP:0004381.

Submission:

Labcorp Genetics (formerly Invitae), Labcorp
Classification: Uncertain significance for Supravalvar aortic stenosis. Last evaluated: 2021-01-17. Review status: criteria provided, single submitter. Criteria: Invitae Variant Classification Sherloc (09022015). Collection method: clinical testing. Allele origin: germline.
Comment: Algorithms developed to predict the effect of missense changes on protein structure and function output the following: SIFT: "Tolerated"; PolyPhen-2: "Not Available"; Align-GVGD: "Class C0". The leucine amino acid residue is found in multiple mammalian species, suggesting that this missense change does not adversely affect protein function. These predictions have not been confirmed by published functional studies and their clinical significance is uncertain. This variant has not been reported in the literature in individuals with ELN-related conditions. This variant is not present in population databases (ExAC no frequency). This sequence change replaces valine with leucine at codon 532 of the ELN protein (p.Val532Leu). The valine residue is weakly conserved and there is a small physicochemical difference between valine and leucine. In summary, the available evidence is currently insufficient to determine the role of this variant in disease. Therefore, it has been classified as a Variant of Uncertain Significance.